The following is an entry in ClinVar:

NM_004006.3(DMD):c.10454del (p.Leu3485fs)

Gene: DMD (dystrophin; minus strand). Cytogenetic location: Xp21.2.
Variant type: Deletion.
Coding change: c.10454del on transcript NM_004006.3 (MANE Select); coding-DNA position 10454, one base deleted (T; older notation c.10454delT).
Protein change: p.Leu3485fs; shifts the reading frame from leucine 3485.
Molecular consequence: frameshift variant. On other transcripts: intron variant (2).
Genome position (GRCh38, 1-based): chrX:31,169,542, A deleted on the plus strand (T on the coding strand, the reverse complement: DMD is on the minus strand). VCF-style (leftmost placement, unchanged base first): chrX-31169541-CA-C. GRCh37 (hg19) VCF-style: chrX-31187658-CA-C.
Other names: c.10454delT (NM_004006.2); c.10430del, p.Leu3477fs (NM_000109.4); c.10442del, p.Leu3481fs (NM_004009.3); c.10085del, p.Leu3362fs (NM_004010.3); c.6431del, p.Leu2144fs (NM_004011.4); c.6422del, p.Leu2141fs (NM_004012.4); c.3074del, p.Leu1025fs (NM_004013.3, NM_004021.3); c.2267del, p.Leu756fs (NM_004014.3); and 4 more; short protein forms L1012fs, L3477fs, L3362fs, L404fs, L1025fs, L3481fs, L417fs, L756fs.
Identifiers: ClinVar variation 94436 (VCV000094436.55), dbSNP rs398123839, ClinGen allele CA345429.

ClinVar aggregate classification (germline): Pathogenic. Review status: criteria provided, multiple submitters, no conflicts (2 of 4 stars). 8 submissions from 8 submitters: Pathogenic (6). 2 of the submissions do not count toward it. Last evaluated 2026-02-18.

Conditions:
Becker muscular dystrophy (BMD). Also called: MUSCULAR DYSTROPHY, PSEUDOHYPERTROPHIC PROGRESSIVE, BECKER TYPE; Becker Muscular Dystrophy (BMD). Identifiers: Orphanet 98895, MedGen C0917713, MONDO:0010311, OMIM 300376.
Duchenne muscular dystrophy (DMD). Also called: MUSCULAR DYSTROPHY, PSEUDOHYPERTROPHIC PROGRESSIVE, DUCHENNE TYPE; Duchenne Muscular Dystrophy (DMD). Identifiers: Orphanet 98896, MedGen C0013264, MONDO:0010679, OMIM 310200.
Dilated cardiomyopathy 3B (CMD3B). Also called: CMD3B: DMD-Related Dilated Cardiomyopathy; CARDIOMYOPATHY, DILATED, X-LINKED; DMD-Associated Dilated Cardiomyopathy. Identifiers: Orphanet 154, MedGen C3668940, MONDO:0010542, OMIM 302045.

Submissions (8):

GeneDx
Classification: Pathogenic. Last evaluated: 2026-02-18. Review status: criteria provided, single submitter. Criteria: GeneDx Variant Classification Process June 2021. Collection method: clinical testing. Allele origin: germline.
Comment: Not observed at significant frequency in large population cohorts (gnomAD); Frameshift variant predicted to result in protein truncation or nonsense mediated decay in a gene for which loss of function is a known mechanism of disease; This variant is associated with the following publications: (PMID: 33552634, 34297739, 32528171, 8301652, 11524473, 16077730, 14695533, 31919629, 39033378, 26911353, 31671740, 1549596)

Laboratorio de Biologia Molecular - Genetica, Hospital de Pediatria Garrahan
Classification: Pathogenic for Duchenne muscular dystrophy; Becker muscular dystrophy. Last evaluated: 2024-01-09. Review status: criteria provided, single submitter. Criteria: ACMG Guidelines, 2015. Collection method: clinical testing. Allele origin: unknown. Inheritance: X-linked recessive inheritance. Affected: yes. Observed: 1 hemizygote.

CeGaT Center for Human Genetics Tuebingen
Classification: Pathogenic. Last evaluated: 2018-11-01. Review status: criteria provided, single submitter. Criteria: CeGaT Center For Human Genetics Tuebingen Variant Classification Criteria Version 2. Collection method: clinical testing. Allele origin: germline. Affected: yes. Observed: 1 variant allele.

Centre for Mendelian Genomics, University Medical Centre Ljubljana
Classification: Pathogenic for Dilated cardiomyopathy 3B. Last evaluated: 2018-09-25. Review status: criteria provided, single submitter. Criteria: ACMG Guidelines, 2015. Collection method: clinical testing. Allele origin: unknown. Affected: yes.
Comment: This variant was classified as: Pathogenic. The following ACMG criteria were applied in classifying this variant: PVS1,PM2,PP4. This variant was detected in hemizygous state.

Eurofins Ntd Llc (ga)
Classification: Pathogenic. Last evaluated: 2015-11-02. Review status: criteria provided, single submitter. Criteria: EGL Classification Definitions 2015. Collection method: clinical testing. Allele origin: germline. Observed: 3 variant alleles, 3 hemizygotes.

Athena Diagnostics
Classification: Pathogenic. Last evaluated: 2014-11-21. Review status: criteria provided, single submitter. Criteria: Athena Diagnostics Criteria. Collection method: clinical testing. Allele origin: unknown.
Comment: The variant results in a shift of the reading frame, and is therefore predicted to result in the loss of a functional protein. Not found in the total gnomAD dataset. Found in multiple individuals with expected phenotype for this gene.

Science and Education Division, Hunan Jiahui Genetics Hospital
Classification: Pathogenic for Duchenne muscular dystrophy. Last evaluated: 2026-11-08. Review status: no assertion criteria provided. Collection method: research. Allele origin: maternal. Inheritance: X-linked recessive inheritance. Affected: yes. Observed: 2 variant alleles, 2 hemizygotes. Not counted in ClinVar's aggregate classification.

OMIM
Classification: Pathogenic for DUCHENNE MUSCULAR DYSTROPHY. Last evaluated: 1993-11-01. Review status: no assertion criteria provided. Collection method: literature only. Allele origin: germline. Not counted in ClinVar's aggregate classification.

Literature cited by the submitters: PubMed 1549596 (cited by 3 submitters); PubMed 11524473 (cited by Athena Diagnostics); PubMed 14695533 (cited by Athena Diagnostics); PubMed 8281150 (cited by Athena Diagnostics); PubMed 8301652 (cited by OMIM).